The following is an entry in ClinVar:

ClinVar aggregate classification (germline): Uncertain significance. Review status: criteria provided, multiple submitters, no conflicts (2 of 4 stars). 2 submissions from 2 submitters: Uncertain significance (2). Last evaluated 2026-06-18.

Conditions:
TTN-related disorder. Also called: TTN-related condition; TTN-related disease; TTN-related disorders.

Allele frequency attached by ClinVar (database versions not stated): gnomAD 0.00001; gnomAD exomes 0.00001.
gnomAD v4.1: 14 of 1,552,092 alleles (0.0009%); highest among the groups gnomAD compares: African/African-American, 0.0096%; no homozygotes.

Submissions (2):

PreventionGenetics, part of Exact Sciences
Classification: Uncertain significance for TTN-related condition. Last evaluated: 2026-06-18. Review status: criteria provided, single submitter. Criteria: ACMG Guidelines, 2015. Collection method: clinical testing. Allele origin: germline.
Comment: The TTN c.54419G>A variant is predicted to result in the amino acid substitution p.Arg18140Gln. To our knowledge, this variant has not been reported in the literature. This variant is reported in 1 allele out of 235244 alleles in gnomAD. At this time, the clinical significance of this variant is uncertain due to the absence of conclusive functional and genetic evidence.

GeneDx
Classification: Uncertain significance. Last evaluated: 2016-10-14. Review status: criteria provided, single submitter. Criteria: GeneDx Variant Classification (06012015). Collection method: clinical testing. Allele origin: germline. Affected: yes.
Comment: Missense variants in the TTN gene are considered 'unclassified' if they are not previously reported in the literature and do not have >1% frequency in the population to be considered a polymorphism. Research indicates that truncating mutations in the TTN gene are expected to account for approximately 25% of familial and 18% of sporadic idiopathic DCM; however, truncating variants in the TTN gene have been reported in approximately 3% of reported control alleles. There has been little investigation into non-truncating variants. (Herman D et al. Truncations of titin causing dilated cardiomyopathy. N Eng J Med 366:619-628, 2012) The variant is found in CARDIOMYOPATHY panel(s).

NM_001267550.2(TTN):c.54419G>A (p.Arg18140Gln)

Genes: TTN-AS1 (TTN antisense RNA 1; plus strand), TTN (titin; minus strand). Cytogenetic location: 2q31.2.
Variant type: single nucleotide variant.
Coding change: c.54419G>A on transcript NM_001267550.2 (MANE Select); coding-DNA position 54419, G replaced by A.
Protein change: p.Arg18140Gln; replaces arginine 18140 with glutamine.
Molecular consequence: missense variant.
Genome position (GRCh38, 1-based): chr2:178,604,268, C>T on the plus strand (G>A on the coding strand, the complement: TTN is on the minus strand). VCF-style: chr2-178604268-C-T. GRCh37 (hg19) VCF-style: chr2-179468995-C-T.
Other names: p.R16499Q:CGA>CAA; c.49496G>A, p.Arg16499Gln (NM_001256850.1); c.27224G>A, p.Arg9075Gln (NM_003319.4); c.46715G>A, p.Arg15572Gln (NM_133378.4); c.27599G>A, p.Arg9200Gln (NM_133432.3); c.27800G>A, p.Arg9267Gln (NM_133437.4); short protein forms R16499Q, R18140Q, R15572Q, R9267Q, R9075Q, R9200Q.
Identifiers: ClinVar variation 202714 (VCV000202714.3), dbSNP rs547224785, ClinGen allele CA310064.